The following is an entry in ClinVar:

ClinVar aggregate classification (germline): Uncertain significance (1 of 4 stars; one submission).

Conditions:
Rubinstein-Taybi syndrome due to EP300 haploinsufficiency. Also called: EP300-Related Rubinstein-Taybi Syndrome; RUBINSTEIN-TAYBI SYNDROME 2. Identifiers: Orphanet 353284, Orphanet 783, MedGen C3150941, MONDO:0013364, OMIM 613684.

gnomAD v4.1: 2 of 1,614,124 alleles (0.00012%); highest among the groups gnomAD compares: Admixed American, 0.0033%; no homozygotes.

Submission:

Labcorp Genetics (formerly Invitae), Labcorp
Classification: Uncertain significance for Rubinstein-Taybi syndrome due to EP300 haploinsufficiency. Last evaluated: 2024-10-11. Review status: criteria provided, single submitter. Criteria: Invitae Variant Classification Sherloc (09022015). Collection method: clinical testing. Allele origin: germline.
Comment: This sequence change replaces methionine, which is neutral and non-polar, with isoleucine, which is neutral and non-polar, at codon 2205 of the EP300 protein (p.Met2205Ile). This variant is not present in population databases (gnomAD no frequency). This variant has not been reported in the literature in individuals affected with EP300-related conditions. Invitae Evidence Modeling of protein sequence and biophysical properties (such as structural, functional, and spatial information, amino acid conservation, physicochemical variation, residue mobility, and thermodynamic stability) indicates that this missense variant is not expected to disrupt EP300 protein function with a negative predictive value of 80%. In summary, the available evidence is currently insufficient to determine the role of this variant in disease. Therefore, it has been classified as a Variant of Uncertain Significance.

NM_001429.4(EP300):c.6615G>T (p.Met2205Ile)

Gene: EP300 (EP300 lysine acetyltransferase; plus strand). Cytogenetic location: 22q13.2.
Variant type: single nucleotide variant.
Coding change: c.6615G>T on transcript NM_001429.4 (MANE Select); coding-DNA position 6615, G replaced by T.
Protein change: p.Met2205Ile; replaces methionine 2205 with isoleucine.
Molecular consequence: missense variant.
Genome position (GRCh38, 1-based): chr22:41,178,326, G>T. VCF-style: chr22-41178326-G-T. GRCh37 (hg19) VCF-style: chr22-41574330-G-T.
Other names: c.6537G>T, p.Met2179Ile (NM_001362843.2); short protein forms M2179I, M2205I.
Identifiers: ClinVar variation 3630926 (VCV003630926.2).